The following is an entry in ClinVar:

ClinVar aggregate classification (germline): Uncertain significance (1 of 4 stars; one submission).

Submission:

Dasa
Classification: Uncertain significance. Last evaluated: 2025-01-20. Review status: criteria provided, single submitter. Criteria: DASA Assertion Criteria. Collection method: clinical testing. Allele origin: germline.
Comment: NM_005257.6(GATA6):c.244T>C (p.Ser82Pro) is a missense variant that results in the substitution of serine with proline. This variant is absent from population databases. Computational prediction algorithms are consistent with a benign effect. The currently available literature and clinical evidence are not sufficient to establish a definitive association between this variant and the reported condition. Therefore, this variant is classified as a variant of uncertain significance.

NM_005257.6(GATA6):c.244T>C (p.Ser82Pro)

Gene: GATA6 (GATA binding protein 6; plus strand). Cytogenetic location: 18q11.2.
Variant type: single nucleotide variant.
Coding change: c.244T>C on transcript NM_005257.6 (MANE Select); coding-DNA position 244, T replaced by C.
Protein change: p.Ser82Pro; replaces serine 82 with proline.
Molecular consequence: missense variant.
Genome position (GRCh38, 1-based): chr18:22,171,388, T>C. VCF-style: chr18-22171388-T-C. GRCh37 (hg19) VCF-style: chr18-19751349-T-C.
Other names: short protein forms S82P.
Identifiers: ClinVar variation 4883519 (VCV004883519.2).
Genomic context (GRCh38, chr18:22,171,388, plus strand): 5'-ACGCCTCAGCTCGACACGGAGGCGGCGGCCGGACCCCCGGCCCGCTCGCTGCTGCTCAGT[T>C]CCTACGCTTCGCATCCCTTCGGGGCTCCCCACGGACCTTCGGCGCCTGGGGTCGCGGGCC-3'
Protein context (NP_005248.2, residues 72-92): GPPARSLLLS[Ser82Pro]YASHPFGAPH